The following is an entry in ClinVar:

ClinVar aggregate classification (germline): Uncertain significance. Review status: criteria provided, multiple submitters, no conflicts (2 of 4 stars). 3 submissions from 3 submitters: Uncertain significance (3). Last evaluated 2026-06-17.

Conditions:
Early-infantile DEE. Also called: Early infantile epileptic encephalopathy with suppression bursts; Ohtahara syndrome; Early infantile epileptic encephalopathy. Identifiers: Orphanet 1934, MedGen C0393706, MONDO:0800491.
Inborn genetic diseases. Identifiers: MedGen C0950123, MeSH D030342.

Allele frequency attached by ClinVar (database versions not stated): gnomAD exomes below 0.00001; TOPMed 0.00001.
gnomAD v4.1: 2 of 1,607,712 alleles (0.00012%); highest among the groups gnomAD compares: East Asian, 0.0022%; no homozygotes.

Submissions (3):

Ambry Genetics
Classification: Uncertain significance for Inborn genetic diseases. Last evaluated: 2026-06-17. Review status: criteria provided, single submitter. Criteria: Ambry Variant Classification Scheme 2023. Collection method: clinical testing. Allele origin: germline.

Labcorp Genetics (formerly Invitae), Labcorp
Classification: Uncertain significance for Early-infantile DEE. Last evaluated: 2022-12-08. Review status: criteria provided, single submitter. Criteria: Invitae Variant Classification Sherloc (09022015). Collection method: clinical testing. Allele origin: germline.
Comment: In summary, the available evidence is currently insufficient to determine the role of this variant in disease. Therefore, it has been classified as a Variant of Uncertain Significance. Advanced modeling of protein sequence and biophysical properties (such as structural, functional, and spatial information, amino acid conservation, physicochemical variation, residue mobility, and thermodynamic stability) performed at Invitae indicates that this missense variant is not expected to disrupt SCN1A protein function. ClinVar contains an entry for this variant (Variation ID: 373533). This variant has not been reported in the literature in individuals affected with SCN1A-related conditions. This variant is present in population databases (no rsID available, gnomAD 0.006%). This sequence change replaces valine, which is neutral and non-polar, with isoleucine, which is neutral and non-polar, at codon 802 of the SCN1A protein (p.Val802Ile).

GeneDx
Classification: Uncertain significance. Last evaluated: 2016-11-21. Review status: criteria provided, single submitter. Criteria: GeneDx Variant Classification (06012015). Collection method: clinical testing. Allele origin: germline. Affected: yes.
Comment: A variant of uncertain significance has been identified in the SCN1A gene. The V802I variant has not been published as a pathogenic variant, nor has it been reported as a benign variant to our knowledge. It was not observed in approximately 6,500 individuals of European and African American ancestry in the NHLBI Exome Sequencing Project, indicating it is not a common benign variant in these populations. The V802I variant is a conservative amino acid substitution, which is not likely to impact secondary protein structure as these residues share similar properties. This substitution is predicted to be within the transmembrane segment S2 of the second homologous domain. It occurs at a position where amino acids with similar properties to Valine are tolerated across species, and Isoleucine has been seen at this position in evolution. In silico analysis is inconsistent in its predictions as to whether or not the variant is damaging to the protein structure/function. Therefore, based on the currently available information, it is unclear whether this variant is a pathogenic variant or a rare benign variant.

NM_001165963.4(SCN1A):c.2404G>A (p.Val802Ile)

Gene: SCN1A (sodium voltage-gated channel alpha subunit 1; minus strand). Cytogenetic location: 2q24.3.
Variant type: single nucleotide variant.
Coding change: c.2404G>A on transcript NM_001165963.4 (MANE Select); coding-DNA position 2404, G replaced by A.
Protein change: p.Val802Ile; replaces valine 802 with isoleucine.
Molecular consequence: missense variant. On other transcripts: 5 prime UTR variant (1), non-coding transcript variant (1).
Genome position (GRCh38, 1-based): chr2:166,041,242, C>T on the plus strand (G>A on the coding strand, the complement: SCN1A is on the minus strand). VCF-style: chr2-166041242-C-T. GRCh37 (hg19) VCF-style: chr2-166897752-C-T.
Other names: c.2320G>A, p.Val774Ile (NM_001165964.3, NM_001353957.2, NM_001353958.2); c.2404G>A, p.Val802Ile (NM_001202435.3, NM_001353948.2); c.2371G>A, p.Val791Ile (NM_001353949.2, NM_001353950.2, NM_001353951.2 and 2 more transcripts); c.2368G>A, p.Val790Ile (NM_001353954.2, NM_001353955.2); c.2317G>A, p.Val773Ile (NM_001353960.2); c.-55G>A (NM_001353961.2); short protein forms V791I, V802I, V774I, V773I, V790I.
Identifiers: ClinVar variation 373533 (VCV000373533.5), dbSNP rs1057518467, ClinGen allele CA16042361.